The following is an entry in ClinVar:

ClinVar aggregate classification (germline): Uncertain significance (1 of 4 stars; one submission).

Submission:

Labcorp Genetics (formerly Invitae), Labcorp
Classification: Uncertain significance. Last evaluated: 2021-01-08. Review status: criteria provided, single submitter. Criteria: Invitae Variant Classification Sherloc (09022015). Collection method: clinical testing. Allele origin: germline.
Comment: In summary, the available evidence is currently insufficient to determine the role of this variant in disease. Therefore, it has been classified as a Variant of Uncertain Significance. Algorithms developed to predict the effect of missense changes on protein structure and function are either unavailable or do not agree on the potential impact of this missense change (SIFT: "Tolerated"; PolyPhen-2: "Possibly Damaging"; Align-GVGD: "Class C0"). This variant has not been reported in the literature in individuals with HPS6-related conditions. The frequency data for this variant in the population databases is considered unreliable, as metrics indicate insufficient coverage at this position in the ExAC database. This sequence change replaces arginine with proline at codon 137 of the HPS6 protein (p.Arg137Pro). The arginine residue is moderately conserved and there is a moderate physicochemical difference between arginine and proline.

NM_024747.6(HPS6):c.410G>C (p.Arg137Pro)

Gene: HPS6 (HPS6 biogenesis of lysosomal organelles complex 2 subunit 3; plus strand). Cytogenetic location: 10q24.32.
Variant type: single nucleotide variant.
Coding change: c.410G>C on transcript NM_024747.6 (MANE Select); coding-DNA position 410, G replaced by C.
Protein change: p.Arg137Pro; replaces arginine 137 with proline.
Molecular consequence: missense variant.
Genome position (GRCh38, 1-based): chr10:102,065,884, G>C. VCF-style: chr10-102065884-G-C. GRCh37 (hg19) VCF-style: chr10-103825641-G-C.
Other names: short protein forms R137P.
Identifiers: ClinVar variation 1377679 (VCV001377679.8), dbSNP rs2136333974, ClinGen allele CA377856990.